The following is an entry in ClinVar:

NM_004519.4(KCNQ3):c.1985G>A (p.Gly662Asp)

Gene: KCNQ3 (potassium voltage-gated channel subfamily Q member 3; minus strand). Cytogenetic location: 8q24.22.
Variant type: single nucleotide variant.
Coding change: c.1985G>A on transcript NM_004519.4 (MANE Select); coding-DNA position 1985, G replaced by A.
Protein change: p.Gly662Asp; replaces glycine 662 with aspartic acid.
Molecular consequence: missense variant.
Genome position (GRCh38, 1-based): chr8:132,129,896, C>T on the plus strand (G>A on the coding strand, the complement: KCNQ3 is on the minus strand). VCF-style: chr8-132129896-C-T. GRCh37 (hg19) VCF-style: chr8-133142143-C-T.
Other names: c.1625G>A, p.Gly542Asp (NM_001204824.2); short protein forms G542D, G662D.
Identifiers: ClinVar variation 1502136 (VCV001502136.8), dbSNP rs764547562, ClinGen allele CA372217192.
Genomic context (GRCh38, chr8:132,129,896, plus strand): 5'-GTTTTCAAATCGGAATACCTGTTGTCCTCCTTCTTCTCTGCTTCAGCTGGCGAGGAGGTG[C>T]CCTTGGTTGGGTAATACTCCGTGACCTGCACCTGCAACCGTTCCATGTGTTGCATGTGCA-3'
Protein context (NP_004510.1, residues 652-672): VQVTEYYPTK[Gly662Asp]TSSPAEAEKK

ClinVar aggregate classification (germline): Uncertain significance (1 of 4 stars; one submission).

Conditions:
Benign neonatal seizures. Also called: Convulsions benign familial neonatal dominant form; Autosomal dominant form of benign neonatal seizures; Benign neonatal familial convulsions; Benign familial neonatal epilepsy; Benign familial neonatal seizures. Identifiers: Orphanet 1949, MedGen C0220669, MONDO:0016027.

Allele frequency attached by ClinVar (database versions not stated): gnomAD 0.00001.
gnomAD v4.1: 4 of 1,613,958 alleles (0.00025%); highest among the groups gnomAD compares: African/African-American, 0.0027%; no homozygotes.

Submission:

Labcorp Genetics (formerly Invitae), Labcorp
Classification: Uncertain significance for Benign neonatal seizures. Last evaluated: 2022-06-26. Review status: criteria provided, single submitter. Criteria: Invitae Variant Classification Sherloc (09022015). Collection method: clinical testing. Allele origin: germline.
Comment: In summary, the available evidence is currently insufficient to determine the role of this variant in disease. Therefore, it has been classified as a Variant of Uncertain Significance. Advanced modeling of protein sequence and biophysical properties (such as structural, functional, and spatial information, amino acid conservation, physicochemical variation, residue mobility, and thermodynamic stability) performed at Invitae indicates that this missense variant is not expected to disrupt KCNQ3 protein function. This variant has not been reported in the literature in individuals affected with KCNQ3-related conditions. This variant is not present in population databases (gnomAD no frequency). This sequence change replaces glycine, which is neutral and non-polar, with aspartic acid, which is acidic and polar, at codon 662 of the KCNQ3 protein (p.Gly662Asp).